The following is an entry in ClinVar:

NM_002470.4(MYH3):c.1520T>C (p.Ile507Thr)

Gene: MYH3 (myosin heavy chain 3; minus strand). Cytogenetic location: 17p13.1.
Variant type: single nucleotide variant.
Coding change: c.1520T>C on transcript NM_002470.4 (MANE Select); coding-DNA position 1520, T replaced by C.
Protein change: p.Ile507Thr; replaces isoleucine 507 with threonine.
Molecular consequence: missense variant.
Genome position (GRCh38, 1-based): chr17:10,642,887, A>G on the plus strand (T>C on the coding strand, the complement: MYH3 is on the minus strand). VCF-style: chr17-10642887-A-G. GRCh37 (hg19) VCF-style: chr17-10546204-A-G.
Other names: short protein forms I507T.
Identifiers: ClinVar variation 1187934 (VCV001187934.2), dbSNP rs2142405404, ClinGen allele CA398172717.

ClinVar aggregate classification (germline): Uncertain significance (1 of 4 stars; one submission).

Submission:

GeneDx
Classification: Uncertain significance. Last evaluated: 2019-02-21. Review status: criteria provided, single submitter. Criteria: GeneDx Variant Classification Process June 2021. Collection method: clinical testing. Allele origin: germline. Affected: yes.
Comment: Not observed in large population cohorts (Lek et al., 2016); In silico analysis, which includes protein predictors and evolutionary conservation, supports a deleterious effect; Has not been previously published as pathogenic or benign to our knowledge